The following is an entry in ClinVar:

NM_004415.4(DSP):c.3602A>C (p.Glu1201Ala)

Gene: DSP (desmoplakin; plus strand). Cytogenetic location: 6p24.3.
Variant type: single nucleotide variant.
Coding change: c.3602A>C on transcript NM_004415.4 (MANE Select); coding-DNA position 3602, A replaced by C.
Protein change: p.Glu1201Ala; replaces glutamic acid 1201 with alanine.
Molecular consequence: missense variant. On other transcripts: intron variant (1).
Genome position (GRCh38, 1-based): chr6:7,579,792, A>C. VCF-style: chr6-7579792-A-C. GRCh37 (hg19) VCF-style: chr6-7580025-A-C.
Other names: c.3602A>C, p.Glu1201Ala (NM_001319034.2); c.3582+20A>C (NM_001008844.3); short protein forms E1201A.
Identifiers: ClinVar variation 4614050 (VCV004614050.1).

ClinVar aggregate classification (germline): Uncertain significance (1 of 4 stars; one submission).

Conditions:
Cardiovascular phenotype. Identifiers: MedGen CN230736.

Submission:

Ambry Genetics
Classification: Uncertain significance for Cardiovascular phenotype. Last evaluated: 2025-12-02. Review status: criteria provided, single submitter. Criteria: Ambry Variant Classification Scheme 2023. Collection method: clinical testing. Allele origin: germline.
Comment: The p.E1201A variant (also known as c.3602A>C), located in coding exon 23 of the DSP gene, results from an A to C substitution at nucleotide position 3602. The glutamic acid at codon 1201 is replaced by alanine, an amino acid with dissimilar properties. This amino acid position is conserved. In addition, the in silico prediction for this alteration is inconclusive. Based on the available evidence, the clinical significance of this variant remains unclear.